The following is an entry in ClinVar:

NM_002579.3(PALM):c.754G>A (p.Gly252Arg)

Gene: PALM (paralemmin; plus strand). Cytogenetic location: 19p13.3.
Variant type: single nucleotide variant.
Coding change: c.754G>A on transcript NM_002579.3 (MANE Select); coding-DNA position 754, G replaced by A.
Protein change: p.Gly252Arg; replaces glycine 252 with arginine.
Molecular consequence: missense variant.
Genome position (GRCh38, 1-based): chr19:746,404, G>A. VCF-style: chr19-746404-G-A. GRCh37 (hg19) VCF-style: chr19-746404-G-A.
Other names: c.622G>A, p.Gly208Arg (NM_001040134.2); short protein forms G208R, G252R.
Identifiers: ClinVar variation 2183899 (VCV002183899.4), dbSNP rs756745063, ClinGen allele CA9022766.
Genomic context (GRCh38, chr19:746,404, plus strand): 5'-GTGGACGAACTCATCCACAAAGCGGACGAGGTCACGCTGAGCGAGGCAGGGTCCACGGCC[G>A]GGGCGGCAGAGACCCGGGGGGCTGTGGAGGGGGCAGCCCGGACCACGCCCTCCCGGCGGG-3'
Protein context (NP_002570.2, residues 242-262): VTLSEAGSTA[Gly252Arg]AAETRGAVEG

ClinVar aggregate classification (germline): Uncertain significance (1 of 4 stars; one submission).

Allele frequency attached by ClinVar (database versions not stated): ExAC 0.00005; TOPMed 0.00007; gnomAD 0.00011.
gnomAD v4.1: 57 of 1,612,194 alleles (0.0035%); highest among the groups gnomAD compares: African/African-American, 0.024%; no homozygotes.

Submission:

Labcorp Genetics (formerly Invitae), Labcorp
Classification: Uncertain significance. Last evaluated: 2022-10-08. Review status: criteria provided, single submitter. Criteria: Invitae Variant Classification Sherloc (09022015). Collection method: clinical testing. Allele origin: germline.
Comment: This variant has not been reported in the literature in individuals affected with PALM-related conditions. In summary, the available evidence is currently insufficient to determine the role of this variant in disease. Therefore, it has been classified as a Variant of Uncertain Significance. Algorithms developed to predict the effect of missense changes on protein structure and function output the following: SIFT: "Deleterious"; PolyPhen-2: "Benign"; Align-GVGD: "Class C0". The arginine amino acid residue is found in multiple mammalian species, which suggests that this missense change does not adversely affect protein function. This variant is present in population databases (rs756745063, gnomAD 0.03%). This sequence change replaces glycine, which is neutral and non-polar, with arginine, which is basic and polar, at codon 252 of the PALM protein (p.Gly252Arg).